The following is an entry in ClinVar:

NM_001103.4(ACTN2):c.1607T>C (p.Met536Thr)

Gene: ACTN2 (actinin alpha 2; plus strand). Cytogenetic location: 1q43.
Variant type: single nucleotide variant.
Coding change: c.1607T>C on transcript NM_001103.4 (MANE Select); coding-DNA position 1607, T replaced by C.
Protein change: p.Met536Thr; replaces methionine 536 with threonine.
Molecular consequence: missense variant. On other transcripts: non-coding transcript variant (1).
Genome position (GRCh38, 1-based): chr1:236,749,215, T>C. VCF-style: chr1-236749215-T-C. GRCh37 (hg19) VCF-style: chr1-236912515-T-C.
Other names: c.1607T>C, p.Met536Thr (NM_001278343.2); c.983T>C, p.Met328Thr (NM_001278344.2); c.857T>C, p.Met286Thr (NM_001412150.1); short protein forms M328T, M286T, M536T.
Identifiers: ClinVar variation 2954474 (VCV002954474.3), dbSNP rs777117450, ClinGen allele CA1473203.
Genomic context (GRCh38, chr1:236,749,215, plus strand): 5'-AGCTTCACCTGGAGTTTGCCAAGAGGGCTGCTCCTTTCAACAATTGGATGGAGGGCGCTA[T>C]GGAGGATCTGCAAGATATGTTCATTGTCCACAGCATTGAGGAGATCCAGGTAATGGAACC-3'
Protein context (NP_001094.1, residues 526-546): APFNNWMEGA[Met536Thr]EDLQDMFIVH

ClinVar aggregate classification (germline): Uncertain significance (1 of 4 stars; one submission).

Conditions:
Dilated cardiomyopathy 1AA (CMD1AA). Also called: CARDIOMYOPATHY, DILATED, 1AA, WITH OR WITHOUT LEFT VENTRICULAR NONCOMPACTION; CARDIOMYOPATHY, FAMILIAL HYPERTROPHIC, 23, WITH OR WITHOUT LEFT VENTRICULAR NONCOMPACTION; Cardiomyopathy, dilated, 1AA, with or without LVNC. Identifiers: Orphanet 154, MedGen C2677338, MONDO:0012808, OMIM 612158.
Primary familial hypertrophic cardiomyopathy (HCM). Identifiers: Orphanet 99739, MedGen C0949658, MeSH D024741, MONDO:0024573. Inheritance: Various modes of inheritance.

Allele frequency attached by ClinVar (database versions not stated): gnomAD exomes below 0.00001; ExAC 0.00001.
gnomAD v4.1: 1 of 1,614,198 alleles (0.000062%); highest among the groups gnomAD compares: Non-Finnish European, 0.000085%; no homozygotes.

Submission:

Labcorp Genetics (formerly Invitae), Labcorp
Classification: Uncertain significance for Primary familial hypertrophic cardiomyopathy; Dilated cardiomyopathy 1AA. Last evaluated: 2023-12-06. Review status: criteria provided, single submitter. Criteria: Invitae Variant Classification Sherloc (09022015). Collection method: clinical testing. Allele origin: germline.
Comment: This sequence change replaces methionine, which is neutral and non-polar, with threonine, which is neutral and polar, at codon 536 of the ACTN2 protein (p.Met536Thr). This variant is present in population databases (rs777117450, gnomAD 0.0009%). This variant has not been reported in the literature in individuals affected with ACTN2-related conditions. Advanced modeling of protein sequence and biophysical properties (such as structural, functional, and spatial information, amino acid conservation, physicochemical variation, residue mobility, and thermodynamic stability) performed at Invitae indicates that this missense variant is not expected to disrupt ACTN2 protein function with a negative predictive value of 80%. In summary, the available evidence is currently insufficient to determine the role of this variant in disease. Therefore, it has been classified as a Variant of Uncertain Significance.